The following is an entry in ClinVar:

ClinVar aggregate classification (germline): Uncertain significance (1 of 4 stars; one submission).

Conditions:
Glycogen storage disease due to muscle and heart glycogen synthase deficiency. Also called: GSD 0b; MUSCLE GLYCOGEN SYNTHASE DEFICIENCY. Identifiers: Orphanet 137625, MedGen C1969054, MONDO:0012693, OMIM 611556.

Allele frequency attached by ClinVar (database versions not stated): gnomAD 0.00001; gnomAD exomes 0.00001; TOPMed 0.00003.

Submission:

Labcorp Genetics (formerly Invitae), Labcorp
Classification: Uncertain significance for Glycogen storage disease due to muscle and heart glycogen synthase deficiency. Last evaluated: 2022-09-12. Review status: criteria provided, single submitter. Criteria: Invitae Variant Classification Sherloc (09022015). Collection method: clinical testing. Allele origin: germline.
Comment: This sequence change replaces serine, which is neutral and polar, with asparagine, which is neutral and polar, at codon 573 of the GYS1 protein (p.Ser573Asn). This variant is not present in population databases (gnomAD no frequency). This variant has not been reported in the literature in individuals affected with GYS1-related conditions. ClinVar contains an entry for this variant (Variation ID: 1524577). Advanced modeling of protein sequence and biophysical properties (such as structural, functional, and spatial information, amino acid conservation, physicochemical variation, residue mobility, and thermodynamic stability) performed at Invitae indicates that this missense variant is not expected to disrupt GYS1 protein function. Algorithms developed to predict the effect of sequence changes on RNA splicing suggest that this variant may disrupt the consensus splice site. In summary, the available evidence is currently insufficient to determine the role of this variant in disease. Therefore, it has been classified as a Variant of Uncertain Significance.

NM_002103.5(GYS1):c.1718G>A (p.Ser573Asn)

Gene: GYS1 (glycogen synthase 1; minus strand). Cytogenetic location: 19q13.33.
Variant type: single nucleotide variant.
Coding change: c.1718G>A on transcript NM_002103.5 (MANE Select); coding-DNA position 1718, G replaced by A.
Protein change: p.Ser573Asn; replaces serine 573 with asparagine.
Molecular consequence: missense variant. On other transcripts: non-coding transcript variant (1).
Genome position (GRCh38, 1-based): chr19:48,970,637, C>T on the plus strand (G>A on the coding strand, the complement: GYS1 is on the minus strand). VCF-style: chr19-48970637-C-T. GRCh37 (hg19) VCF-style: chr19-49473894-C-T.
Other names: c.1526G>A, p.Ser509Asn (NM_001161587.2); short protein forms S573N, S509N.
Identifiers: ClinVar variation 1524577 (VCV001524577.5), dbSNP rs1207102551, ClinGen allele CA406760323.